The following is an entry in ClinVar:

ClinVar aggregate classification (germline): Likely benign (1 of 4 stars; one submission).

Allele frequency attached by ClinVar (database versions not stated): gnomAD exomes 0.00010; gnomAD 0.00084.
gnomAD v4.1: 84 of 359,404 alleles (0.023%); highest among the groups gnomAD compares: African/African-American, 0.38%; 1 homozygote.

Submission:

CeGaT Center for Human Genetics Tuebingen
Classification: Likely benign. Last evaluated: 2022-11-01. Review status: criteria provided, single submitter. Criteria: CeGaT Center For Human Genetics Tuebingen Variant Classification Criteria Version 2. Collection method: clinical testing. Allele origin: germline. Affected: yes. Observed: 2 variant alleles.
Comment: COL4A2: BS1

NM_001846.4(COL4A2):c.1340-192G>C

Genes: COL4A2 (collagen type IV alpha 2 chain; plus strand), COL4A2-AS2 (COL4A2 antisense RNA 2; minus strand). Cytogenetic location: 13q34.
Variant type: single nucleotide variant.
Coding change: c.1340-192G>C on transcript NM_001846.4 (MANE Select); 192 bases into the intron before coding-DNA position 1340, G replaced by C.
Molecular consequence: intron variant. On other transcripts: non-coding transcript variant (1).
Genome position (GRCh38, 1-based): chr13:110,457,151, G>C. VCF-style: chr13-110457151-G-C. GRCh37 (hg19) VCF-style: chr13-111109498-G-C.
Identifiers: ClinVar variation 2643949 (VCV002643949.24), dbSNP rs9559804, ClinGen allele CA7049457.